The following is an entry in ClinVar:

NM_000629.3(IFNAR1):c.86del (p.Asn29fs)

Gene: IFNAR1 (interferon alpha and beta receptor subunit 1; plus strand). Cytogenetic location: 21q22.11.
Variant type: Deletion.
Coding change: c.86del on transcript NM_000629.3 (MANE Select); coding-DNA position 86, one base deleted (A; older notation c.86delA).
Protein change: p.Asn29fs; shifts the reading frame from asparagine 29.
Molecular consequence: frameshift variant. On other transcripts: 5 prime UTR variant (3).
Genome position (GRCh38, 1-based): chr21:33,335,533, A deleted; the last of 6 consecutive A bases (chr21:33,335,528-33,335,533); deleting any one gives the same sequence. VCF-style (leftmost placement, unchanged base first): chr21-33335527-GA-G. GRCh37 (hg19) VCF-style: chr21-34707833-GA-G.
Other names: c.86del, p.Asn29fs (NM_001384498.1, NM_001384499.1, NM_001384501.1 and 1 more transcripts); c.-701del (NM_001384500.1); c.-298del (NM_001384502.1); c.-122del (NM_001384504.1); c.86delA (NM_000629.3); short protein forms N29fs.
Identifiers: ClinVar variation 5042558 (VCV005042558.1).

ClinVar aggregate classification (germline): Likely pathogenic (1 of 4 stars; one submission).

Conditions:
Immunodeficiency 106, susceptibility to viral infections (IMD106). Also called: IFNAR1 DEFICIENCY. Identifiers: MedGen C5677009, MONDO:0030970, OMIM 619935.

Submission:

UAEU Genomics Laboratory, United Arab Emirates University
Classification: Likely pathogenic for Immunodeficiency 106, susceptibility to viral infections. Last evaluated: 2023-12-25. Review status: criteria provided, single submitter. Criteria: ACMG Guidelines, 2015. Collection method: research. Allele origin: germline. Affected: yes. Observed: 1 variant allele.
Comment: PM2, PVS1